The following is an entry in ClinVar:

ClinVar aggregate classification (germline): Benign/Likely benign. Review status: criteria provided, multiple submitters, no conflicts (2 of 4 stars). 11 submissions from 10 submitters: Benign (8); Likely benign (3). Last evaluated 2026-02-04.

Conditions:
Catecholaminergic polymorphic ventricular tachycardia (CVPT). Also called: Catecholamine-induced polymorphic ventricular tachycardia. Identifiers: Orphanet 3286, MedGen C5574922, MONDO:0017990.
Cardiomyopathy (CMYO). Also called: Cardiomyopathies. Identifiers: Orphanet 167848, MedGen C0878544, MONDO:0004994, HP:0001638. Inheritance: Various modes of inheritance.
Catecholaminergic polymorphic ventricular tachycardia 1. Also called: RYR2-Related Catecholaminergic Polymorphic Ventricular Tachycardia; VENTRICULAR TACHYCARDIA, CATECHOLAMINERGIC POLYMORPHIC, 1, WITH OR WITHOUT ATRIAL DYSFUNCTION AND/OR DILATED CARDIOMYOPATHY; VENTRICULAR TACHYCARDIA, STRESS-INDUCED POLYMORPHIC 1. Identifiers: Orphanet 3286, MedGen C1631597, MONDO:0011484, OMIM 604772.
Arrhythmogenic right ventricular dysplasia 2. Identifiers: MedGen C1832931.

Allele frequency attached by ClinVar (database versions not stated): gnomAD exomes 0.00017 and 0.00053; 1000 Genomes Project 0.00040; 1000 Genomes Project 30x 0.00047; ExAC 0.00079; gnomAD 0.00218 and 0.00228; ESP Exome Variant Server 0.00226; TOPMed 0.00228.
gnomAD v4.1: 566 of 1,517,118 alleles (0.037%); highest among the groups gnomAD compares: African/African-American, 0.67%; 7 homozygotes.

Submissions (11):

Labcorp Genetics (formerly Invitae), Labcorp
Classification: Benign for Catecholaminergic polymorphic ventricular tachycardia 1. Last evaluated: 2026-02-04. Review status: criteria provided, single submitter. Criteria: Invitae Variant Classification Sherloc (09022015). Collection method: clinical testing. Allele origin: germline.

All of Us Research Program, National Institutes of Health
Classification: Benign for Catecholaminergic polymorphic ventricular tachycardia. Last evaluated: 2024-02-05. Review status: criteria provided, single submitter. Criteria: ACMG Guidelines, 2015. Collection method: clinical testing. Allele origin: germline. Inheritance: Autosomal dominant inheritance. Observed: 117 variant alleles, 117 heterozygotes.
Comment: This study involves interpretation of variants in research participants for the purpose of population health screening. Participant phenotype was not available at the time of variant classification. Additional details can be found in publication PMID: 35346344, PMCID: PMC8962531

Blueprint Genetics
Classification: Likely benign. Last evaluated: 2023-03-27. Review status: criteria provided, single submitter. Criteria: ACMG Guidelines, 2015. Collection method: clinical testing. Allele origin: germline.

CeGaT Center for Human Genetics Tuebingen
Classification: Benign. Last evaluated: 2022-10-01. Review status: criteria provided, single submitter. Criteria: CeGaT Center For Human Genetics Tuebingen Variant Classification Criteria Version 2. Collection method: clinical testing. Allele origin: germline. Affected: yes. Observed: 2 variant alleles.
Comment: RYR2: BS1, BS2

Color Diagnostics, LLC DBA Color Health
Classification: Benign for Cardiomyopathy. Last evaluated: 2018-11-23. Review status: criteria provided, single submitter. Criteria: ACMG Guidelines, 2015. Collection method: clinical testing. Allele origin: germline.

Illumina Laboratory Services, Illumina
Classification: Benign for Catecholaminergic polymorphic ventricular tachycardia 1. Last evaluated: 2018-01-12. Review status: criteria provided, single submitter. Criteria: ICSL Variant Classification Criteria 13 December 2019. Collection method: clinical testing. Allele origin: germline.
Comment: This variant was observed in the ICSL laboratory as part of a predisposition screen in an ostensibly healthy population. It had not been previously curated by ICSL or reported in the Human Gene Mutation Database (HGMD: prior to June 1st, 2018), and was therefore a candidate for classification through an automated scoring system. Utilizing variant allele frequency, disease prevalence and penetrance estimates, and inheritance mode, an automated score was calculated to assess if this variant is too frequent to cause the disease. Based on the score and internal cut-off values, a variant classified as benign is not then subjected to further curation. The score for this variant resulted in a classification of benign for this disease.

Illumina Laboratory Services, Illumina
Classification: Likely benign for Catecholaminergic polymorphic ventricular tachycardia 1. Last evaluated: 2018-01-12. Review status: criteria provided, single submitter. Criteria: ICSL Variant Classification Criteria 13 December 2019. Collection method: clinical testing. Allele origin: germline.
Comment: This variant was observed in the ICSL laboratory as part of a predisposition screen in an ostensibly healthy population. It had not been previously curated by ICSL or reported in the Human Gene Mutation Database (HGMD: prior to June 1st, 2018), and was therefore a candidate for classification through an automated scoring system. Utilizing variant allele frequency, disease prevalence and penetrance estimates, and inheritance mode, an automated score was calculated to assess if this variant is too frequent to cause the disease. Based on the score and internal cut-off values, a variant classified as likely benign is not then subjected to further curation. The score for this variant resulted in a classification of likely benign for this disease.

CHEO Genetics Diagnostic Laboratory, Children's Hospital of Eastern Ontario
Classification: Benign for Cardiomyopathy. Last evaluated: 2016-06-20. Review status: criteria provided, single submitter. Criteria: ACMG Guidelines, 2015. Collection method: clinical testing. Allele origin: germline. Study: Canadian Open Genetics Repository.

Laboratory for Molecular Medicine, Mass General Brigham Personalized Medicine
Classification: Likely benign. Last evaluated: 2016-06-10. Review status: criteria provided, single submitter. Criteria: LMM Criteria. Collection method: clinical testing. Allele origin: germline. Observed: 4 variant alleles.
Comment: c.6555+6G>A in intron 42 of RYR2: This variant is not expected to have clinical significance because it has been identified in 0.8% (71/8516) of African chromos omes, including 2 homozygotes by the Exome Aggregation Consortium (ExAC; dbSNP rs372661934).

GeneDx
Classification: Benign. Last evaluated: 2014-06-26. Review status: criteria provided, single submitter. Criteria: GeneDx Variant Classification (06012015). Collection method: clinical testing. Allele origin: germline. Affected: yes.
Comment: This variant is considered likely benign or benign based on one or more of the following criteria: it is a conservative change, it occurs at a poorly conserved position in the protein, it is predicted to be benign by multiple in silico algorithms, and/or has population frequency not consistent with disease.

Eurofins Ntd Llc (ga)
Classification: Benign. Last evaluated: 2014-01-07. Review status: criteria provided, single submitter. Criteria: EGL Classification Definitions 2015. Collection method: clinical testing. Allele origin: germline. Observed: 1 variant allele, 1 heterozygote.

NM_001035.3(RYR2):c.6555+6G>A

Gene: RYR2 (ryanodine receptor 2; plus strand). Cytogenetic location: 1q43.
Variant type: single nucleotide variant.
Coding change: c.6555+6G>A on transcript NM_001035.3 (MANE Select); 6 bases into the intron after coding-DNA position 6555, G replaced by A.
Molecular consequence: intron variant.
Genome position (GRCh38, 1-based): chr1:237,631,547, G>A. VCF-style: chr1-237631547-G-A. GRCh37 (hg19) VCF-style: chr1-237794847-G-A.
Identifiers: ClinVar variation 167629 (VCV000167629.56), dbSNP rs372661934, ClinGen allele CA010209.